The following is an entry in ClinVar:

NM_015559.3(SETBP1):c.3773C>T (p.Ser1258Leu)

Gene: SETBP1 (SET binding protein 1; plus strand). Cytogenetic location: 18q12.3.
Variant type: single nucleotide variant.
Coding change: c.3773C>T on transcript NM_015559.3 (MANE Select); coding-DNA position 3773, C replaced by T.
Protein change: p.Ser1258Leu; replaces serine 1258 with leucine.
Molecular consequence: missense variant.
Genome position (GRCh38, 1-based): chr18:44,953,113, C>T. VCF-style: chr18-44953113-C-T. GRCh37 (hg19) VCF-style: chr18-42533078-C-T.
Other names: p.Ser1258Leu; c.3773C>T, p.Ser1258Leu (NM_001379141.1, NM_001379142.1, NM_001410862.1); short protein forms S1258L.
Identifiers: ClinVar variation 2504590 (VCV002504590.2), dbSNP rs751384874, ClinGen allele CA8945978.

ClinVar aggregate classification (germline): Uncertain significance (1 of 4 stars; one submission).

Conditions:
Intellectual developmental disorder, autosomal dominant 29. Also called: SETBP1 Haploinsufficiency Disorder; Intellectual disability, autosomal dominant 29. Identifiers: Orphanet 436151, MedGen C4015141, MONDO:0014482, OMIM 616078.

Allele frequency attached by ClinVar (database versions not stated): gnomAD exomes below 0.00001; ExAC 0.00001; gnomAD 0.00001; TOPMed 0.00001.
gnomAD v4.1: 5 of 1,614,010 alleles (0.00031%); highest among the groups gnomAD compares: Middle Eastern, 0.016%; no homozygotes.

Submission:

Foundation for Research in Genetics and Endocrinology, FRIGE's Institute of Human Genetics
Classification: Uncertain significance for Intellectual developmental disorder, autosomal dominant 29. Last evaluated: 2023-06-07. Review status: criteria provided, single submitter. Criteria: ACMG Guidelines, 2015. Collection method: clinical testing. Allele origin: germline. Inheritance: Autosomal dominant inheritance. Affected: yes. Observed: 1 heterozygote.
Comment: A heterozygous missense variant in exon 4 of the SETBP1 gene that results in the amino acid substitution of Leucine for Serine at codon 1258 (p.Ser1258Leu) was detected. This variant has not been reported in the 1000 genomes databases and has a minor allele frequency of 0.001%, 0.0004% and 0.001% in the gnomAD (v3.1), gnomdAD (v2.1) and topmed databases respectively. The reference codon is conserved across species. In summary, the variant meets our criteria to be classified as a variant of uncertain significance.